The following is an entry in ClinVar:

ClinVar aggregate classification (germline): Uncertain significance. Review status: criteria provided, multiple submitters, no conflicts (2 of 4 stars). 4 submissions from 3 submitters: Uncertain significance (4). Last evaluated 2023-11-04.

Conditions:
Usher syndrome type 2A. Also called: RETINAL DISEASE IN USHER SYNDROME TYPE IIA, MODIFIER OF; USHER SYNDROME, TYPE IIA. Identifiers: Orphanet 231178, Orphanet 886, MedGen C1848634, MONDO:0010169, OMIM 276901.
Retinitis pigmentosa 39 (RP39). Identifiers: Orphanet 791, MedGen C3151138, MONDO:0013436, OMIM 613809.

gnomAD v4.1: 17 of 1,613,990 alleles (0.0011%); highest among the groups gnomAD compares: Admixed American, 0.0033%; no homozygotes.

Submissions (4):

Genome-Nilou Lab
Classification: Uncertain significance for Retinitis pigmentosa 39. Last evaluated: 2023-11-04. Review status: criteria provided, single submitter. Criteria: ACMG Guidelines, 2015. Collection method: clinical testing. Allele origin: germline. Affected: no.

Genome-Nilou Lab
Classification: Uncertain significance for Usher syndrome type 2A. Last evaluated: 2023-11-04. Review status: criteria provided, single submitter. Criteria: ACMG Guidelines, 2015. Collection method: clinical testing. Allele origin: germline. Affected: no.

Labcorp Genetics (formerly Invitae), Labcorp
Classification: Uncertain significance. Last evaluated: 2021-09-01. Review status: criteria provided, single submitter. Criteria: Invitae Variant Classification Sherloc (09022015). Collection method: clinical testing. Allele origin: germline.
Comment: This sequence change replaces histidine with leucine at codon 2045 of the USH2A protein (p.His2045Leu). The histidine residue is moderately conserved and there is a moderate physicochemical difference between histidine and leucine. This variant is present in population databases (rs111033514, ExAC 0.001%). This variant has not been reported in the literature in individuals affected with USH2A-related conditions. Algorithms developed to predict the effect of missense changes on protein structure and function are either unavailable or do not agree on the potential impact of this missense change (SIFT: "Deleterious"; PolyPhen-2: "Benign"; Align-GVGD: "Class C25"). In summary, the available evidence is currently insufficient to determine the role of this variant in disease. Therefore, it has been classified as a Variant of Uncertain Significance.

Fulgent Genetics
Classification: Uncertain significance for Usher syndrome type 2A; Retinitis pigmentosa 39. Last evaluated: 2021-08-20. Review status: criteria provided, single submitter. Criteria: ACMG Guidelines, 2015. Collection method: clinical testing. Allele origin: unknown.

NM_206933.4(USH2A):c.6134A>T (p.His2045Leu)

Gene: USH2A (usherin; minus strand). Cytogenetic location: 1q41.
Variant type: single nucleotide variant.
Coding change: c.6134A>T on transcript NM_206933.4 (MANE Select); coding-DNA position 6134, A replaced by T.
Protein change: p.His2045Leu; replaces histidine 2045 with leucine.
Molecular consequence: missense variant.
Genome position (GRCh38, 1-based): chr1:216,048,563, T>A on the plus strand (A>T on the coding strand, the complement: USH2A is on the minus strand). VCF-style: chr1-216048563-T-A. GRCh37 (hg19) VCF-style: chr1-216221905-T-A.
Other names: short protein forms H2045L.
Identifiers: ClinVar variation 1464078 (VCV001464078.6), dbSNP rs111033514, ClinGen allele CA1395227.